The following is an entry in ClinVar:

ClinVar aggregate classification (germline): Uncertain significance (1 of 4 stars; one submission).

Allele frequency attached by ClinVar (database versions not stated): gnomAD exomes below 0.00001.
gnomAD v4.1: 1 of 1,549,070 alleles (0.000065%); highest among the groups gnomAD compares: Non-Finnish European, 0.000087%; no homozygotes.

Submission:

Women's Health and Genetics/Laboratory Corporation of America, LabCorp
Classification: Uncertain significance. Last evaluated: 2024-04-29. Review status: criteria provided, single submitter. Criteria: LabCorp Variant Classification Summary - May 2015. Collection method: clinical testing. Allele origin: germline.
Comment: Variant summary: KCNMA1 c.2267-4483T>C is located at a position not widely known to affect splicing. Consensus agreement among computation tools predict no significant impact on normal splicing. However, these predictions have yet to be confirmed by functional studies. In a different transcript the variant is predicted to result in a missense change (i.e. NM_001322838 c.1576T>C (p.Tyr526His)). The frequency data for this variant in gnomAD is considered unreliable, as metrics indicate poor data quality at this position. To our knowledge, no occurrence of c.2267-4483T>C in individuals affected with Paroxysmal Nonkinesigenic Dyskinesia, 3, With Or Without Generalized Epilepsy and no experimental evidence demonstrating its impact on protein function have been reported. No submitters have cited clinical-significance assessments for this variant to ClinVar. Based on the evidence outlined above, the variant was classified as uncertain significance.

NM_001161352.2(KCNMA1):c.2267-4483T>C

Genes: KCNMA1 (potassium calcium-activated channel subfamily M alpha 1; minus strand), KCNMA1-AS1 (KCNMA1 antisense RNA 1; plus strand). Cytogenetic location: 10q22.3.
Variant type: single nucleotide variant.
Coding change: c.2267-4483T>C on transcript NM_001161352.2 (MANE Select); 4483 bases into the intron before coding-DNA position 2267, T replaced by C.
Molecular consequence: intron variant. On other transcripts: missense variant (1).
Genome position (GRCh38, 1-based): chr10:76,974,550, A>G on the plus strand (T>C on the coding strand, the complement: KCNMA1 is on the minus strand). VCF-style: chr10-76974550-A-G. GRCh37 (hg19) VCF-style: chr10-78734308-A-G.
Other names: c.1576T>C, p.Tyr526His (NM_001322838.2); c.1943-4483T>C (NM_001271518.2); c.2093-4483T>C (NM_001322832.2, NM_001410940.1, NM_002247.4 and 1 more transcripts); c.2102-4483T>C (NM_001322829.2, NM_001322836.2, NM_001271519.2); c.2105-4483T>C (NM_001014797.3, NM_001322835.2, NM_001322837.2); c.2114-4483T>C (NM_001322830.2); short protein forms Y526H.
Identifiers: ClinVar variation 3251905 (VCV003251905.1), dbSNP rs1268604608.